The following is an entry in ClinVar:

NM_000152.5(GAA):c.2189+5_2189+8del

Gene: GAA (alpha glucosidase; plus strand). Cytogenetic location: 17q25.3.
Variant type: Microsatellite.
Coding change: c.2189+5_2189+8del on transcript NM_000152.5 (MANE Select); bases 5 to 8 of the intron after coding-DNA position 2189, 4 bases deleted (GTGA; older notation c.2189+5_2189+8delGTGA).
Molecular consequence: splice donor variant.
Genome position (GRCh38, 1-based): chr17:80,113,371-80,113,374, GTGA deleted; deleting any 4 consecutive bases within chr17:80,113,365-80,113,374 gives the same sequence; the c. name uses the placement nearest the transcript's 3' end. VCF-style (leftmost placement, unchanged base first): chr17-80113364-GGAGT-G. GRCh37 (hg19) VCF-style: chr17-78087163-GGAGT-G.
Other names: c.2189+5_2189+8del (NM_001079803.3, NM_001079804.3); c.2189+5_2189+8delGTGA (NM_000152.5).
Identifiers: ClinVar variation 982364 (VCV000982364.4), dbSNP rs2039293139, ClinGen allele CA2277815541.

ClinVar aggregate classification (germline): Uncertain significance. Review status: criteria provided, multiple submitters, no conflicts (2 of 4 stars). 2 submissions from 2 submitters: Uncertain significance (2). Last evaluated 2026-07-01.

Conditions:
Glycogen storage disease, type II (IOPD). Also called: CARDIOMEGALIA GLYCOGENICA DIFFUSA; Glycogen storage disease type 2; Acid maltase deficiency disease; Aglucosidase alfa; Deficiency of alpha-glucosidase; Deficiency of lysosomal alpha-glucosidase. Identifiers: Orphanet 365, MedGen C0017921, MONDO:0009290, OMIM 232300.

Submissions (2):

Genomenon, Inc
Classification: Uncertain significance for Glycogen storage disease, type II. Last evaluated: 2026-07-01. Review status: criteria provided, single submitter. Criteria: Genomenon Sequence Variant Interpretation Standards - Updated. Collection method: curation. Allele origin: germline. Affected: yes.
Comment: GAA c.2189+5_2189+8del is a deletion variant that affects the donor splice region of intron 15. This variant has been observed in at least one proband with a GAA-related disorder (PMID:33741225). It is absent or not present at a significant frequency in gnomAD. In silico models predict that this variant is possibly or probably damaging. In conclusion, we classify GAA c.2189+5_2189+8del as a variant of uncertain significance.

Institute of Medical Genetics and Genomics, Sir Ganga Ram Hospital
Classification: Uncertain significance for Glycogen storage disease, type II. Last evaluated: 2020-10-15. Review status: criteria provided, single submitter. Criteria: ACMG Guidelines, 2015. Collection method: clinical testing. Allele origin: germline. Inheritance: Autosomal recessive inheritance. Affected: yes. Observed: 1 homozygote.

Literature cited by the submitters: PubMed 33741225 (cited by Genomenon, Inc).